The following is an entry in ClinVar:

NM_020937.4(FANCM):c.976A>T (p.Ile326Phe)

Gene: FANCM (FA complementation group M; plus strand). Cytogenetic location: 14q21.2.
Variant type: single nucleotide variant.
Coding change: c.976A>T on transcript NM_020937.4 (MANE Select); coding-DNA position 976, A replaced by T.
Protein change: p.Ile326Phe; replaces isoleucine 326 with phenylalanine.
Molecular consequence: missense variant.
Genome position (GRCh38, 1-based): chr14:45,151,454, A>T. VCF-style: chr14-45151454-A-T. GRCh37 (hg19) VCF-style: chr14-45620657-A-T.
Other names: c.898A>T, p.Ile300Phe (NM_001308133.2); c.976A>T, p.Ile326Phe (NM_001308134.2); short protein forms I300F, I326F.
Identifiers: ClinVar variation 4070888 (VCV004070888.1).

ClinVar aggregate classification (germline): Uncertain significance (1 of 4 stars; one submission).

Submission:

GeneDx
Classification: Uncertain significance. Last evaluated: 2025-01-21. Review status: criteria provided, single submitter. Criteria: GeneDx Variant Classification Process June 2021. Collection method: clinical testing. Allele origin: germline. Affected: yes.
Comment: Not observed at significant frequency in large population cohorts (gnomAD); In silico analysis supports that this missense variant has a deleterious effect on protein structure/function; Has not been previously published as pathogenic or benign to our knowledge